The following is an entry in ClinVar:

ClinVar aggregate classification (germline): Conflicting classifications of pathogenicity. Review status: criteria provided, conflicting classifications (1 of 4 stars). 2 submissions from 2 submitters: Uncertain significance (1); Benign (1). Last evaluated 2025-11-25.

Conditions:
Familial thoracic aortic aneurysm and aortic dissection (TAAD). Also called: Thoracic aortic aneurysms and dissections. Identifiers: Orphanet 91387, MedGen C4707243, MONDO:0019625.
Melnick-Needles syndrome (MNS). Also called: MELNICK-NEEDLES OSTEODYSPLASTY; Melnick-Needles Syndrome (FLNA-MNS); OSTEODYSPLASTY OF MELNICK AND NEEDLES. Identifiers: Orphanet 2484, MedGen C0025237, MONDO:0010650, OMIM 309350.
Frontometaphyseal dysplasia (FMD1). Identifiers: Orphanet 1826, MedGen C0265293, MONDO:0015942.
Heterotopia, periventricular, X-linked dominant (PVNH1). Also called: PERIVENTRICULAR NODULAR HETEROTOPIA 1; X-linked periventricular heterotopia; PERIVENTRICULAR NODULAR HETEROTOPIA 4; HETEROTOPIA, PERIVENTRICULAR, 1. Identifiers: Orphanet 2149, Orphanet 82004, MedGen C1848213, MONDO:0010233, OMIM 300049.
Oto-palato-digital syndrome, type II (OPD2). Also called: FACIOPALATOOSSEOUS SYNDROME; Otopalatodigital Syndrome Type 2 (FLNA-OPD2); OPD II SYNDROME; Otopalatodigital Syndrome, Type II. Identifiers: Orphanet 669, Orphanet 90652, MedGen C1844696, MONDO:0010571, OMIM 304120.

Allele frequency attached by ClinVar (database versions not stated): gnomAD exomes below 0.00001 and 0.00002; gnomAD 0.00001; ExAC 0.00002; TOPMed 0.00002.
gnomAD v4.1: 4 of 1,209,677 alleles (0.00033%); highest among the groups gnomAD compares: East Asian, 0.0089%; no homozygotes.

Submissions (2):

Labcorp Genetics (formerly Invitae), Labcorp
Classification: Benign for Oto-palato-digital syndrome, type II; Heterotopia, periventricular, X-linked dominant; Frontometaphyseal dysplasia; Melnick-Needles syndrome. Last evaluated: 2025-11-25. Review status: criteria provided, single submitter. Criteria: Invitae Variant Classification Sherloc (09022015). Collection method: clinical testing. Allele origin: germline.

Ambry Genetics
Classification: Uncertain significance for Familial thoracic aortic aneurysm and aortic dissection. Last evaluated: 2025-03-19. Review status: criteria provided, single submitter. Criteria: Ambry Variant Classification Scheme 2023. Collection method: clinical testing. Allele origin: germline.
Comment: The p.V741M variant (also known as c.2221G>A), located in coding exon 14 of the FLNA gene, results from a G to A substitution at nucleotide position 2221. The valine at codon 741 is replaced by methionine, an amino acid with highly similar properties. This amino acid position is not well conserved in available vertebrate species. In addition, this alteration is predicted to be tolerated by in silico analysis. Based on data from gnomAD, the A allele has an overall frequency of 0.0022% (4/181652) total alleles studied, with no hemizygote(s) observed. The highest observed frequency was 0.0295% (4/13551) of East Asian alleles. Based on the available evidence, the clinical significance of this variant remains unclear.

NM_001110556.2(FLNA):c.2221G>A (p.Val741Met)

Gene: FLNA (filamin A; minus strand). Cytogenetic location: Xq28.
Variant type: single nucleotide variant.
Coding change: c.2221G>A on transcript NM_001110556.2 (MANE Select); coding-DNA position 2221, G replaced by A.
Protein change: p.Val741Met; replaces valine 741 with methionine.
Molecular consequence: missense variant.
Genome position (GRCh38, 1-based): chrX:154,364,081, C>T on the plus strand (G>A on the coding strand, the complement: FLNA is on the minus strand). VCF-style: chrX-154364081-C-T. GRCh37 (hg19) VCF-style: chrX-153592449-C-T.
Other names: c.2221G>A (NM_001456.3); c.2221G>A, p.Val741Met (NM_001456.4); short protein forms V741M.
Identifiers: ClinVar variation 1443099 (VCV001443099.7), dbSNP rs782439081, ClinGen allele CA10560987.